The following is an entry in ClinVar:

NM_000082.4(ERCC8):c.430_431del (p.Val144fs)

Gene: ERCC8 (ERCC excision repair 8, CSA ubiquitin ligase complex subunit; minus strand). Cytogenetic location: 5q12.1.
Variant type: Deletion.
Coding change: c.430_431del on transcript NM_000082.4 (MANE Select); coding-DNA positions 430 to 431, 2 bases deleted (GT; older notation c.430_431delGT).
Protein change: p.Val144fs; shifts the reading frame from valine 144.
Molecular consequence: frameshift variant. On other transcripts: intron variant (1).
Genome position (GRCh38, 1-based): chr5:60,904,842-60,904,843, AC deleted on the plus strand (GT on the coding strand, the reverse complement: ERCC8 is on the minus strand). VCF-style (leftmost placement, unchanged base first): chr5-60904841-AAC-A. GRCh37 (hg19) VCF-style: chr5-60200668-AAC-A.
Other names: c.256_257del, p.Val86fs (NM_001007233.3); c.430_431del, p.Val144fs (NM_001007234.3); c.23-1127_23-1126del (NM_001290285.2); short protein forms V144fs, V86fs.
Identifiers: ClinVar variation 5013693 (VCV005013693.1).

ClinVar aggregate classification (germline): Pathogenic (1 of 4 stars; one submission).

Conditions:
Cockayne syndrome type 1. Also called: Cockayne syndrome type I; Cockayne syndrome classical; Cockayne syndrome classic form. Identifiers: Orphanet 191, Orphanet 90321, MedGen C0751039, MONDO:0019569, OMIM 216400.

Submission:

Myriad Genetics, Inc.
Classification: Pathogenic for Cockayne syndrome type 1. Last evaluated: 2024-11-01. Review status: criteria provided, single submitter. Criteria: Myriad Autosomal Dominant, Autosomal Recessive and X-Linked Classification Criteria (2023). Collection method: clinical testing. Allele origin: unknown.
Comment: NM_000082.3(ERCC8):c.430_431delGT(V144Lfs*2) is expected to be pathogenic in the context of ERCC8-related disorders. This variant is predicted to lead to an abnormal or absent protein product due to the creation of a premature termination codon in ERCC8, a gene where loss-of-function variants are known to be pathogenic. Please note: this variant was assessed in the context of healthy population screening.